The following is an entry in ClinVar:

ClinVar aggregate classification (germline): Uncertain significance (1 of 4 stars; one submission).

Submission:

Labcorp Genetics (formerly Invitae), Labcorp
Classification: Uncertain significance. Last evaluated: 2024-10-03. Review status: criteria provided, single submitter. Criteria: Invitae Variant Classification Sherloc (09022015). Collection method: clinical testing. Allele origin: germline.
Comment: This sequence change replaces methionine, which is neutral and non-polar, with leucine, which is neutral and non-polar, at codon 313 of the ABCD3 protein (p.Met313Leu). This variant is not present in population databases (gnomAD no frequency). This variant has not been reported in the literature in individuals affected with ABCD3-related conditions. An algorithm developed to predict the effect of missense changes on protein structure and function (PolyPhen-2) suggests that this variant is likely to be tolerated. In summary, the available evidence is currently insufficient to determine the role of this variant in disease. Therefore, it has been classified as a Variant of Uncertain Significance.

NM_002858.4(ABCD3):c.937A>C (p.Met313Leu)

Gene: ABCD3 (ATP binding cassette subfamily D member 3; plus strand). Cytogenetic location: 1p21.3.
Variant type: single nucleotide variant.
Coding change: c.937A>C on transcript NM_002858.4 (MANE Select); coding-DNA position 937, A replaced by C.
Protein change: p.Met313Leu; replaces methionine 313 with leucine.
Molecular consequence: missense variant.
Genome position (GRCh38, 1-based): chr1:94,487,581, A>C. VCF-style: chr1-94487581-A-C. GRCh37 (hg19) VCF-style: chr1-94953137-A-C.
Other names: short protein forms M313L.
Identifiers: ClinVar variation 3604289 (VCV003604289.2).